The following is an entry in ClinVar:

Single allele

Gene: DCC (DCC netrin 1 receptor; plus strand). Cytogenetic location: 18q21.2.
Variant type: Duplication.
Identifiers: ClinVar variation 560075 (VCV000560075.3).

ClinVar aggregate classification (germline): Uncertain significance (1 of 4 stars; one submission).

Conditions:
Mirror movements 1 (MRMV1). Identifiers: Orphanet 238722, MedGen C1834870, OMIM 157600, MONDO:0008002.

Submission:

Geisinger Autism and Developmental Medicine Institute, Geisinger Health System
Classification: Uncertain significance for Mirror movements 1. Last evaluated: 2017-03-30. Review status: criteria provided, single submitter. Criteria: ACMG CNV Guidelines, 2011. Collection method: provider interpretation. Allele origin: maternal.

Literature cited by the submitters: PubMed 28250454.